The following is an entry in ClinVar:

ClinVar aggregate classification (germline): Benign. Review status: criteria provided, single submitter (1 of 4 stars). 2 submissions from 2 submitters: Benign (1). 1 of the submissions does not count toward it. Last evaluated 2025-12-29.

Conditions:
GAS8-related disorder. Also called: GAS8-related condition.
Primary ciliary dyskinesia 33. Also called: CILIARY DYSKINESIA, PRIMARY, 33, WITHOUT SITUS INVERSUS. Identifiers: Orphanet 244, MedGen C4225230, MONDO:0014750, OMIM 616726.

Allele frequency attached by ClinVar (database versions not stated): ESP Exome Variant Server 0.00054; gnomAD exomes 0.00005 and 0.00016; gnomAD 0.00061 and 0.00060; ExAC 0.00023; 1000 Genomes Project 30x 0.00078; TOPMed 0.00065; 1000 Genomes Project 0.00100.
gnomAD v4.1: 165 of 1,613,996 alleles (0.01%); highest among the groups gnomAD compares: African/African-American, 0.21%; no homozygotes.

Submissions (2):

Labcorp Genetics (formerly Invitae), Labcorp
Classification: Benign for Primary ciliary dyskinesia 33. Last evaluated: 2025-12-29. Review status: criteria provided, single submitter. Criteria: Invitae Variant Classification Sherloc (09022015). Collection method: clinical testing. Allele origin: germline.

PreventionGenetics, part of Exact Sciences
Classification: Likely benign for GAS8-related condition. Last evaluated: 2024-03-12. Review status: no assertion criteria provided. Collection method: clinical testing. Allele origin: germline. Not counted in ClinVar's aggregate classification.
Comment: This variant is classified as likely benign based on ACMG/AMP sequence variant interpretation guidelines (Richards et al. 2015 PMID: 25741868, with internal and published modifications).

NM_001481.3(DRC4):c.816G>A (p.Val272=)

Gene: DRC4 (dynein regulatory complex subunit 4; plus strand). Cytogenetic location: 16q24.3.
Variant type: single nucleotide variant.
Coding change: c.816G>A on transcript NM_001481.3 (MANE Select); coding-DNA position 816, G replaced by A.
Protein change: p.Val272=; no amino-acid change (valine 272 retained).
Molecular consequence: synonymous variant.
Genome position (GRCh38, 1-based): chr16:90,037,291, G>A. VCF-style: chr16-90037291-G-A. GRCh37 (hg19) VCF-style: chr16-90103699-G-A.
Other names: c.567G>A, p.Val189= (NM_001286205.2); c.240G>A, p.Val80= (NM_001286208.2); c.741G>A, p.Val247= (NM_001286209.2).
Identifiers: ClinVar variation 712203 (VCV000712203.12), dbSNP rs146751871, ClinGen allele CA8257990.